The following is an entry in ClinVar:

ClinVar aggregate classification (germline): Benign (1 of 4 stars; one submission).

Conditions:
Holoprosencephaly 11 (HPE11). Identifiers: Orphanet 2162, MedGen C3280215, MONDO:0013642, OMIM 614226.

Allele frequency attached by ClinVar (database versions not stated): gnomAD 0.00048 and 0.00001; TOPMed 0.00005; 1000 Genomes Project 30x 0.00250; 1000 Genomes Project 0.00260.

Submission:

Illumina Laboratory Services, Illumina
Classification: Benign for Holoprosencephaly 11. Last evaluated: 2018-01-12. Review status: criteria provided, single submitter. Criteria: ICSL Variant Classification Criteria 13 December 2019. Collection method: clinical testing. Allele origin: germline.
Comment: This variant was observed in the ICSL laboratory as part of a predisposition screen in an ostensibly healthy population. It had not been previously curated by ICSL or reported in the Human Gene Mutation Database (HGMD: prior to June 1st, 2018), and was therefore a candidate for classification through an automated scoring system. Utilizing variant allele frequency, disease prevalence and penetrance estimates, and inheritance mode, an automated score was calculated to assess if this variant is too frequent to cause the disease. Based on the score and internal cut-off values, a variant classified as benign is not then subjected to further curation. The score for this variant resulted in a classification of benign for this disease.

NM_001378964.1(CDON):c.*1016C>T

Gene: CDON (cell adhesion associated, oncogene regulated; minus strand). Cytogenetic location: 11q24.2.
Variant type: single nucleotide variant.
Coding change: c.*1016C>T on transcript NM_001378964.1 (MANE Select); 1016 bases downstream of the stop codon, C replaced by T.
Molecular consequence: 3 prime UTR variant.
Genome position (GRCh38, 1-based): chr11:125,959,926, G>A on the plus strand (C>T on the coding strand, the complement: CDON is on the minus strand). VCF-style: chr11-125959926-G-A. GRCh37 (hg19) VCF-style: chr11-125829821-G-A.
Other names: c.*1016C>T (NM_001243597.3, NM_016952.6).
Identifiers: ClinVar variation 303472 (VCV000303472.5), dbSNP rs545234191, ClinGen allele CA10637805.